The following is an entry in ClinVar:

ClinVar aggregate classification (germline): Uncertain significance. Review status: criteria provided, multiple submitters, no conflicts (2 of 4 stars). 2 submissions from 2 submitters: Uncertain significance (2). Last evaluated 2025-08-10.

Conditions:
Primary dilated cardiomyopathy (DCM). Also called: Dilated Cardiomyopathy. Identifiers: Orphanet 217604, MedGen C0007193, MeSH D002311, MONDO:0005021, HP:0001644. Inheritance: Various modes of inheritance.
Hypertrophic cardiomyopathy. Also called: HYPERTROPHIC MYOCARDIOPATHY. Identifiers: Orphanet 217569, MedGen C0007194, MeSH D002312, MONDO:0005045, HP:0001639.

Allele frequency attached by ClinVar (database versions not stated): ExAC 0.00002; gnomAD 0.00004; gnomAD exomes 0.00002; TOPMed 0.00002.

Submissions (2):

Labcorp Genetics (formerly Invitae), Labcorp
Classification: Uncertain significance for Hypertrophic cardiomyopathy; Primary dilated cardiomyopathy. Last evaluated: 2025-08-10. Review status: criteria provided, single submitter. Criteria: Invitae Variant Classification Sherloc (09022015). Collection method: clinical testing. Allele origin: germline.
Comment: This sequence change replaces serine, which is neutral and polar, with leucine, which is neutral and non-polar, at codon 250 of the PDLIM3 protein (p.Ser250Leu). This variant is present in population databases (rs781084216, gnomAD 0.01%). This variant has not been reported in the literature in individuals affected with PDLIM3-related conditions. ClinVar contains an entry for this variant (Variation ID: 663047). Invitae Evidence Modeling of protein sequence and biophysical properties (such as structural, functional, and spatial information, amino acid conservation, physicochemical variation, residue mobility, and thermodynamic stability) indicates that this missense variant is expected to disrupt PDLIM3 protein function with a positive predictive value of 80%. In summary, the available evidence is currently insufficient to determine the role of this variant in disease. Therefore, it has been classified as a Variant of Uncertain Significance.

Ambry Genetics
Classification: Uncertain significance. Last evaluated: 2025-04-20. Review status: criteria provided, single submitter. Criteria: Ambry Variant Classification Scheme 2023. Collection method: clinical testing. Allele origin: germline.
Comment: The p.S250L variant (also known as c.749C>T), located in coding exon 6 of the PDLIM3 gene, results from a C to T substitution at nucleotide position 749. The serine at codon 250 is replaced by leucine, an amino acid with dissimilar properties. This amino acid position is conserved. In addition, this alteration is predicted to be deleterious by in silico analysis. Since supporting evidence is limited at this time, the clinical significance of this alteration remains unclear.

NM_014476.6(PDLIM3):c.749C>T (p.Ser250Leu)

Gene: PDLIM3 (PDZ and LIM domain 3; minus strand). Cytogenetic location: 4q35.1.
Variant type: single nucleotide variant.
Coding change: c.749C>T on transcript NM_014476.6 (MANE Select); coding-DNA position 749, C replaced by T.
Protein change: p.Ser250Leu; replaces serine 250 with leucine.
Molecular consequence: missense variant. On other transcripts: non-coding transcript variant (1).
Genome position (GRCh38, 1-based): chr4:185,506,566, G>A on the plus strand (C>T on the coding strand, the complement: PDLIM3 is on the minus strand). VCF-style: chr4-185506566-G-A. GRCh37 (hg19) VCF-style: chr4-186427720-G-A.
Other names: c.605C>T, p.Ser202Leu (NM_001114107.5); c.485C>T, p.Ser162Leu (NM_001257962.2); c.248C>T, p.Ser83Leu (NM_001257963.2); c.749C>T (NM_014476.4); short protein forms S202L, S83L, S162L, S250L.
Identifiers: ClinVar variation 663047 (VCV000663047.9), dbSNP rs781084216, ClinGen allele CA3159707.